The following is an entry in ClinVar:

NM_000153.4(GALC):c.406G>T (p.Glu136Ter)

Gene: GALC (galactosylceramidase; minus strand). Cytogenetic location: 14q31.3.
Variant type: single nucleotide variant.
Coding change: c.406G>T on transcript NM_000153.4 (MANE Select); coding-DNA position 406, G replaced by T.
Protein change: p.Glu136Ter; replaces glutamic acid 136 with a stop codon.
Molecular consequence: nonsense. On other transcripts: 5 prime UTR variant (2), non-coding transcript variant (1).
Genome position (GRCh38, 1-based): chr14:87,986,525, C>A on the plus strand (G>T on the coding strand, the complement: GALC is on the minus strand). VCF-style: chr14-87986525-C-A. GRCh37 (hg19) VCF-style: chr14-88452869-C-A.
Other names: c.337G>T, p.Glu113Ter (NM_001201401.2); c.328G>T, p.Glu110Ter (NM_001201402.2); c.238G>T, p.Glu80Ter (NM_001424071.1, NM_001424072.1, NM_001424073.1); c.58G>T, p.Glu20Ter (NM_001424074.1, NM_001424075.1); c.-262G>T (NM_001424076.1, NM_001424077.1); short protein forms E110*, E113*, E136*, E20*, E80*.
Identifiers: ClinVar variation 4817605 (VCV004817605.1).

ClinVar aggregate classification (germline): Likely pathogenic (1 of 4 stars; one submission).

Conditions:
Galactosylceramide beta-galactosidase deficiency. Also called: Leukodystrophy, Globoid Cell; Krabbe Disease; GALACTOCEREBROSIDASE DEFICIENCY; GALC DEFICIENCY; GLOBOID CELL LEUKOENCEPHALOPATHY. Identifiers: Orphanet 487, MedGen C0023521, MONDO:0009499, OMIM 245200.

Submission:

Natera, Inc.
Classification: Likely pathogenic for Galactosylceramide beta-galactosidase deficiency. Last evaluated: 2025-09-19. Review status: criteria provided, single submitter. Criteria: Natera Variant Classification Schema (03/2026). Collection method: clinical testing. Allele origin: germline.
Comment: The c.406G>T variant in GALC is a nonsense variant predicted to introduce a stop codon at amino acid 136. This variant is expected to result in nonsense mediated decay, truncation, or a dysfunctional protein product. This variant is rare in the general population with a frequency below the threshold expected for the associated phenotype(s). Given the available evidence, this variant is classified as Likely Pathogenic.